The following is an entry in ClinVar:

NM_020831.6(MRTFA):c.3061C>T (p.His1021Tyr)

Gene: MRTFA (myocardin related transcription factor A; minus strand). Cytogenetic location: 22q13.1.
Variant type: single nucleotide variant.
Coding change: c.3061C>T on transcript NM_020831.6 (MANE Select); coding-DNA position 3061, C replaced by T.
Protein change: p.His1021Tyr; replaces histidine 1021 with tyrosine.
Molecular consequence: missense variant. On other transcripts: 3 prime UTR variant (1).
Genome position (GRCh38, 1-based): chr22:40,411,425, G>A on the plus strand (C>T on the coding strand, the complement: MRTFA is on the minus strand). VCF-style: chr22-40411425-G-A. GRCh37 (hg19) VCF-style: chr22-40807429-G-A.
Other names: c.2761C>T, p.His921Tyr (NM_001282660.2); c.2911C>T, p.His971Tyr (NM_001282661.3); c.*374C>T (NM_001282662.3); c.2866C>T, p.His956Tyr (NM_001318139.2); short protein forms H921Y, H1021Y, H956Y, H971Y.
Identifiers: ClinVar variation 3671389 (VCV003671389.2).
Genomic context (GRCh38, chr22:40,411,425, plus strand): 5'-CCCCACCCCGTCTTGAGCCAGAGAGCTACAAGCAGGAATCCCAGTGCAGCTGCAAATCAT[G>A]GCCATCGAGGAAGTCTGTGGAGAAGAGGCTGGGGGCTGTGGTGCTGAGGGGGGCTAGGCT-3'
Protein context (NP_065882.2, residues 1011-1031): SLFSTDFLDG[His1021Tyr]DLQLHWDSCL

ClinVar aggregate classification (germline): Uncertain significance (1 of 4 stars; one submission).

Submission:

Labcorp Genetics (formerly Invitae), Labcorp
Classification: Uncertain significance. Last evaluated: 2024-07-31. Review status: criteria provided, single submitter. Criteria: Invitae Variant Classification Sherloc (09022015). Collection method: clinical testing. Allele origin: germline.
Comment: This sequence change replaces histidine, which is basic and polar, with tyrosine, which is neutral and polar, at codon 921 of the MKL1 protein (p.His921Tyr). This variant is not present in population databases (gnomAD no frequency). This variant has not been reported in the literature in individuals affected with MKL1-related conditions. An algorithm developed to predict the effect of missense changes on protein structure and function (PolyPhen-2) suggests that this variant is likely to be disruptive. In summary, the available evidence is currently insufficient to determine the role of this variant in disease. Therefore, it has been classified as a Variant of Uncertain Significance.